The following is an entry in ClinVar:

ClinVar aggregate classification (germline): Uncertain significance (1 of 4 stars; one submission).

Conditions:
Familial cancer of breast. Also called: Hereditary breast cancer; BREAST CANCER, FAMILIAL; hereditary breast carcinoma. Identifiers: Orphanet 227535, MedGen C0346153, MONDO:0016419, OMIM 114480. Disease mechanism: loss of function.

Submission:

KCCC/NGS Laboratory, Kuwait Cancer Control Center
Classification: Uncertain significance for Familial cancer of breast. Last evaluated: 2025-03-06. Review status: criteria provided, single submitter. Criteria: ACMG Guidelines, 2015. Collection method: clinical testing. Allele origin: germline. Inheritance: Autosomal dominant inheritance. Affected: yes. Observed: 1 heterozygote.
Comment: This missense variant replaces leucine with histidine at codon 1282 of the ATM protein. This amino acid position is conserved (PhyloP=7.41).This variant has not been identified in the general population by the Genome Aggregation Database (gnomAD). In addition, this alteration is predicted to be deleterious by in silico analysis. The available evidence is insufficient to determine the role of this variant in disease conclusively. Therefore, this variant is classified as a Variant of Uncertain Significance. Pathogenic/likely pathogenic mutations in the ATM gene cause susceptibility to breast cancer (OMIM 114480).

NM_000051.4(ATM):c.3845T>A (p.Leu1282His)

Gene: ATM (ATM serine/threonine kinase; plus strand). Cytogenetic location: 11q22.3.
Variant type: single nucleotide variant.
Coding change: c.3845T>A on transcript NM_000051.4 (MANE Select); coding-DNA position 3845, T replaced by A.
Protein change: p.Leu1282His; replaces leucine 1282 with histidine.
Molecular consequence: missense variant.
Genome position (GRCh38, 1-based): chr11:108,284,325, T>A. VCF-style: chr11-108284325-T-A. GRCh37 (hg19) VCF-style: chr11-108155052-T-A.
Other names: c.3845T>A, p.Leu1282His (NM_001351834.2); short protein forms L1282H.
Identifiers: ClinVar variation 3773877 (VCV003773877.2).